The following is an entry in ClinVar:

ClinVar aggregate classification (germline): Likely benign (1 of 4 stars; one submission).

Allele frequency attached by ClinVar (database versions not stated): gnomAD exomes 0.00007; TOPMed 0.00007; gnomAD 0.00008; ExAC 0.00056.
gnomAD v4.1: 110 of 1,611,836 alleles (0.0068%); highest among the groups gnomAD compares: Middle Eastern, 0.017%; no homozygotes.

Submission:

CeGaT Center for Human Genetics Tuebingen
Classification: Likely benign. Last evaluated: 2023-04-01. Review status: criteria provided, single submitter. Criteria: CeGaT Center For Human Genetics Tuebingen Variant Classification Criteria Version 2. Collection method: clinical testing. Allele origin: germline. Affected: yes. Observed: 1 variant allele.
Comment: CSPG4: BP4, BP7

NM_001897.5(CSPG4):c.2190G>A (p.Ala730=)

Gene: CSPG4 (chondroitin sulfate proteoglycan 4; minus strand). Cytogenetic location: 15q24.2.
Variant type: single nucleotide variant.
Coding change: c.2190G>A on transcript NM_001897.5 (MANE Select); coding-DNA position 2190, G replaced by A.
Protein change: p.Ala730=; no amino-acid change (alanine 730 retained).
Molecular consequence: synonymous variant.
Genome position (GRCh38, 1-based): chr15:75,688,875, C>T on the plus strand (G>A on the coding strand, the complement: CSPG4 is on the minus strand). VCF-style: chr15-75688875-C-T. GRCh37 (hg19) VCF-style: chr15-75981216-C-T.
Identifiers: ClinVar variation 2645573 (VCV002645573.24), dbSNP rs779333895, ClinGen allele CA7670409.
Genomic context (GRCh38, chr15:75,688,875, plus strand): 5'-GTGCTGTGGGTCAGTGCTCAGGTACCTCACGCGGCCCTGCTCCACATCCCGCTGGTGGAA[C>T]GCCTGTGTGGCCCACCACTCAGCACCCTCCACCCCACCTGCCCCCTGCTTCTGCAGCTCC-3'
Protein context (NP_001888.2, residues 720-740): VEGAEWWATQ[Ala730=]FHQRDVEQGR